The following is an entry in ClinVar:

NM_015978.3(TNNI3K):c.1652T>C (p.Leu551Pro)

Genes: FPGT-TNNI3K (FPGT-TNNI3K readthrough; plus strand), TNNI3K (TNNI3 interacting kinase; plus strand). Cytogenetic location: 1p31.1.
Variant type: single nucleotide variant.
Coding change: c.1652T>C on transcript NM_015978.3 (MANE Select); coding-DNA position 1652, T replaced by C.
Protein change: p.Leu551Pro; replaces leucine 551 with proline.
Molecular consequence: missense variant.
Genome position (GRCh38, 1-based): chr1:74,369,570, T>C. VCF-style: chr1-74369570-T-C. GRCh37 (hg19) VCF-style: chr1-74835254-T-C.
Other names: c.1955T>C, p.Leu652Pro (NM_001112808.3, NM_001199327.2); short protein forms L652P, L551P.
Identifiers: ClinVar variation 1462910 (VCV001462910.8), dbSNP rs762021498, ClinGen allele CA909348.

ClinVar aggregate classification (germline): Uncertain significance (1 of 4 stars; one submission).

Allele frequency attached by ClinVar (database versions not stated): gnomAD exomes 0.00001 and 0.00002; ExAC 0.00002; gnomAD 0.00002; TOPMed 0.00002.
gnomAD v4.1: 6 of 1,608,040 alleles (0.00037%); highest among the groups gnomAD compares: African/African-American, 0.004%; no homozygotes.

Submission:

Labcorp Genetics (formerly Invitae), Labcorp
Classification: Uncertain significance. Last evaluated: 2026-01-19. Review status: criteria provided, single submitter. Criteria: Invitae Variant Classification Sherloc (09022015). Collection method: clinical testing. Allele origin: germline.
Comment: This sequence change replaces leucine, which is neutral and non-polar, with proline, which is neutral and non-polar, at codon 551 of the TNNI3K protein (p.Leu551Pro). This variant is present in population databases (rs762021498, gnomAD 0.01%). This variant has not been reported in the literature in individuals affected with TNNI3K-related conditions. ClinVar contains an entry for this variant (Variation ID: 1462910). Invitae Evidence Modeling of protein sequence and biophysical properties (such as structural, functional, and spatial information, amino acid conservation, physicochemical variation, residue mobility, and thermodynamic stability) has been performed for this missense variant. However, the output from this modeling did not meet the statistical confidence thresholds required to predict the impact of this variant on TNNI3K protein function. Algorithms developed to predict the effect of sequence changes on RNA splicing suggest that this variant may disrupt the consensus splice site. In summary, the available evidence is currently insufficient to determine the role of this variant in disease. Therefore, it has been classified as a Variant of Uncertain Significance.